The following is an entry in ClinVar:

NM_000059.4(BRCA2):c.7816G>A (p.Asp2606Asn)

Gene: BRCA2 (BRCA2 DNA repair associated; plus strand). Cytogenetic location: 13q13.1.
Variant type: single nucleotide variant.
Coding change: c.7816G>A on transcript NM_000059.4 (MANE Select); coding-DNA position 7816, G replaced by A.
Protein change: p.Asp2606Asn; replaces aspartic acid 2606 with asparagine.
Molecular consequence: missense variant. On other transcripts: non-coding transcript variant (1).
Genome position (GRCh38, 1-based): chr13:32,362,533, G>A. VCF-style: chr13-32362533-G-A. GRCh37 (hg19) VCF-style: chr13-32936670-G-A.
Other names: c.7720G>A, p.Asp2574Asn (NM_001406719.1); c.7816G>A, p.Asp2606Asn (NM_001406720.1); c.2884G>A, p.Asp962Asn (NM_001406721.1); c.1399G>A, p.Asp467Asn (NM_001406722.1); short protein forms D2574N, D2606N, D467N, D962N.
Identifiers: ClinVar variation 2579988 (VCV002579988.3), dbSNP rs2137576445, ClinGen allele CA387746960.

ClinVar aggregate classification (germline): Uncertain significance. Review status: criteria provided, multiple submitters, no conflicts (2 of 4 stars). 2 submissions from 2 submitters: Uncertain significance (2). Last evaluated 2024-04-22.

Conditions:
Hereditary breast ovarian cancer syndrome. Also called: Hereditary breast and/or ovarian cancer syndrome; Hereditary breast and ovarian cancer; Breast and ovarian cancer; Hereditary breast and ovarian cancer syndrome; Hereditary breast and ovarian cancer syndrome (HBOC); BRCA1- and BRCA2-Associated Hereditary Breast and Ovarian Cancer. Identifiers: Orphanet 145, MedGen C0677776, MeSH D061325, MONDO:0003582. Disease mechanism: loss of function.

Submissions (2):

Labcorp Genetics (formerly Invitae), Labcorp
Classification: Uncertain significance for Hereditary breast ovarian cancer syndrome. Last evaluated: 2024-04-22. Review status: criteria provided, single submitter. Criteria: Invitae Variant Classification Sherloc (09022015). Collection method: clinical testing. Allele origin: germline.
Comment: This sequence change replaces aspartic acid, which is acidic and polar, with asparagine, which is neutral and polar, at codon 2606 of the BRCA2 protein (p.Asp2606Asn). This variant is not present in population databases (gnomAD no frequency). This variant has not been reported in the literature in individuals affected with BRCA2-related conditions. ClinVar contains an entry for this variant (Variation ID: 2579988). Advanced modeling performed at Invitae incorporating data from internal and/or published experimental studies (PMID: 33609447) indicates that this missense variant is not expected to disrupt BRCA2 function with a negative predictive value of 95%. In summary, the available evidence is currently insufficient to determine the role of this variant in disease. Therefore, it has been classified as a Variant of Uncertain Significance.

GeneDx
Classification: Uncertain significance. Last evaluated: 2023-09-12. Review status: criteria provided, single submitter. Criteria: GeneDx Variant Classification Process June 2021. Collection method: clinical testing. Allele origin: germline. Affected: yes.
Comment: Not observed at significant frequency in large population cohorts (gnomAD); In silico analysis supports that this missense variant does not alter protein structure/function; Has not been previously published as pathogenic or benign to our knowledge; Also known as 8044G>A; This variant is associated with the following publications: (PMID: 12228710, 27433848, 33609447, 29884841, 35665744)

Literature cited by the submitters: PubMed 33609447 (cited by Labcorp Genetics (formerly Invitae), Labcorp).